The following is an entry in ClinVar:

NM_001903.5(CTNNA1):c.2525A>C (p.Lys842Thr)

Gene: CTNNA1 (catenin alpha 1; plus strand). Cytogenetic location: 5q31.2.
Variant type: single nucleotide variant.
Coding change: c.2525A>C on transcript NM_001903.5 (MANE Select); coding-DNA position 2525, A replaced by C.
Protein change: p.Lys842Thr; replaces lysine 842 with threonine.
Molecular consequence: missense variant. On other transcripts: 3 prime UTR variant (5).
Genome position (GRCh38, 1-based): chr5:138,933,893, A>C. VCF-style: chr5-138933893-A-C. GRCh37 (hg19) VCF-style: chr5-138269582-A-C.
Other names: c.*70A>C (NM_001290307.3, NM_001324002.1, NM_001324003.1 and 2 more transcripts); c.2216A>C, p.Lys739Thr (NM_001290309.3); c.2156A>C, p.Lys719Thr (NM_001290310.3); c.1415A>C, p.Lys472Thr (NM_001290312.1, NM_001323987.1, NM_001323988.1 and 12 more transcripts); c.2525A>C, p.Lys842Thr (NM_001323982.2, NM_001323983.1, NM_001323984.2); c.2498A>C, p.Lys833Thr (NM_001323985.2); c.2432A>C, p.Lys811Thr (NM_001323986.2); c.1280A>C, p.Lys427Thr (NM_001324001.1); and 3 more; short protein forms K391T, K427T, K739T, K719T, K842T, K472T, K811T, K359T.
Identifiers: ClinVar variation 849893 (VCV000849893.9), dbSNP rs1765983475, ClinGen allele CA361135333.

ClinVar aggregate classification (germline): Uncertain significance (1 of 4 stars; one submission).

Submission:

Labcorp Genetics (formerly Invitae), Labcorp
Classification: Uncertain significance. Last evaluated: 2023-11-29. Review status: criteria provided, single submitter. Criteria: Invitae Variant Classification Sherloc (09022015). Collection method: clinical testing. Allele origin: germline.
Comment: This sequence change replaces lysine, which is basic and polar, with threonine, which is neutral and polar, at codon 842 of the CTNNA1 protein (p.Lys842Thr). This variant is not present in population databases (gnomAD no frequency). This variant has not been reported in the literature in individuals affected with CTNNA1-related conditions. ClinVar contains an entry for this variant (Variation ID: 849893). Advanced modeling of protein sequence and biophysical properties (such as structural, functional, and spatial information, amino acid conservation, physicochemical variation, residue mobility, and thermodynamic stability) has been performed at Invitae for this missense variant, however the output from this modeling did not meet the statistical confidence thresholds required to predict the impact of this variant on CTNNA1 protein function. In summary, the available evidence is currently insufficient to determine the role of this variant in disease. Therefore, it has been classified as a Variant of Uncertain Significance.